The following is an entry in ClinVar:

ClinVar aggregate classification (germline): Pathogenic. Review status: criteria provided, multiple submitters, no conflicts (2 of 4 stars). 2 submissions from 2 submitters: Pathogenic (2). Last evaluated 2024-10-29.

Conditions:
Leigh syndrome (NULS). Also called: Leigh's syndrome; Subacute necrotizing encephalopathy; Necrotizing encephalopathy infantile subacute of Leigh; Leigh Disease; Leigh's necrotizing encephalopathy; Leigh's disease. Identifiers: Orphanet 506, MedGen C2931891, MONDO:0009723, OMIM 256000.

Allele frequency attached by ClinVar (database versions not stated): TOPMed below 0.00001; gnomAD 0.00001; gnomAD exomes 0.00001.
gnomAD v4.1: 6 of 1,611,604 alleles (0.00037%); highest among the groups gnomAD compares: Non-Finnish European, 0.00042%; no homozygotes.

Submissions (2):

Labcorp Genetics (formerly Invitae), Labcorp
Classification: Pathogenic for Leigh syndrome. Last evaluated: 2024-10-29. Review status: criteria provided, single submitter. Criteria: Invitae Variant Classification Sherloc (09022015). Collection method: clinical testing. Allele origin: germline.
Comment: This sequence change replaces tyrosine, which is neutral and polar, with cysteine, which is neutral and slightly polar, at codon 274 of the SURF1 protein (p.Tyr274Cys). This variant is present in population databases (rs781967825, gnomAD 0.0009%). This missense change has been observed in individual(s) with Leigh syndrome (PMID: 18583168, 19780766). It has also been observed to segregate with disease in related individuals. ClinVar contains an entry for this variant (Variation ID: 2177217). Invitae Evidence Modeling of protein sequence and biophysical properties (such as structural, functional, and spatial information, amino acid conservation, physicochemical variation, residue mobility, and thermodynamic stability) indicates that this missense variant is expected to disrupt SURF1 protein function with a positive predictive value of 95%. Experimental studies have shown that this missense change affects SURF1 function (PMID: 29933018). For these reasons, this variant has been classified as Pathogenic.

Women's Health and Genetics/Laboratory Corporation of America, LabCorp
Classification: Pathogenic for Leigh syndrome. Last evaluated: 2024-08-09. Review status: criteria provided, single submitter. Criteria: LabCorp Variant Classification Summary - May 2015. Collection method: clinical testing. Allele origin: germline.
Comment: Variant summary: SURF1 c.821A>G (p.Tyr274Cys) results in a non-conservative amino acid change in the encoded protein sequence. Five of five in-silico tools predict a damaging effect of the variant on protein function. The variant allele was found at a frequency of 4.1e-06 in 246080 control chromosomes. c.821A>G has been reported in the literature in individuals affected with Leigh Syndrome and has been found to segregate with the disease phenotype in at least one family (e.g. Piekutowska-Abramczuk_2009, Stenton_2022). These data indicate that the variant is likely to be associated with disease. At least one publication reports experimental evidence evaluating an impact on protein function (e.g. Li_2018). The most pronounced variant effect resulted in severely impaired complex IV assembly. The following publications have been ascertained in the context of this evaluation (PMID: 19780766, 29933018, 35094435). ClinVar contains an entry for this variant (Variation ID: 2177217). Based on the evidence outlined above, the variant was classified as pathogenic.

Literature cited by the submitters: PubMed 18583168 (cited by Labcorp Genetics (formerly Invitae), Labcorp); PubMed 19780766 (cited by Labcorp Genetics (formerly Invitae), Labcorp and Women's Health and Genetics/Laboratory Corporation of America, LabCorp); PubMed 29933018 (cited by Labcorp Genetics (formerly Invitae), Labcorp and Women's Health and Genetics/Laboratory Corporation of America, LabCorp); PubMed 35094435 (cited by Women's Health and Genetics/Laboratory Corporation of America, LabCorp).

NM_003172.4(SURF1):c.821A>G (p.Tyr274Cys)

Gene: SURF1 (SURF1 cytochrome c oxidase assembly factor; minus strand). Cytogenetic location: 9q34.2.
Variant type: single nucleotide variant.
Coding change: c.821A>G on transcript NM_003172.4 (MANE Select); coding-DNA position 821, A replaced by G.
Protein change: p.Tyr274Cys; replaces tyrosine 274 with cysteine.
Molecular consequence: missense variant.
Genome position (GRCh38, 1-based): chr9:133,352,073, T>C on the plus strand (A>G on the coding strand, the complement: SURF1 is on the minus strand). VCF-style: chr9-133352073-T-C. GRCh37 (hg19) VCF-style: chr9-136218928-T-C.
Other names: c.494A>G, p.Tyr165Cys (NM_001280787.1); short protein forms Y165C, Y274C.
Identifiers: ClinVar variation 2177217 (VCV002177217.5), dbSNP rs781967825, ClinGen allele CA200832031.